The following is an entry in ClinVar:

NM_001267550.2(TTN):c.21114A>C (p.Ser7038=)

Genes: TTN (titin; minus strand), LOC126806428 (BRD4-independent group 4 enhancer GRCh37_chr2:179588362-179589561; plus strand). Cytogenetic location: 2q31.2.
Variant type: single nucleotide variant.
Coding change: c.21114A>C on transcript NM_001267550.2 (MANE Select); coding-DNA position 21114, A replaced by C.
Protein change: p.Ser7038=; no amino-acid change (serine 7038 retained).
Molecular consequence: synonymous variant. On other transcripts: intron variant (3).
Genome position (GRCh38, 1-based): chr2:178,724,261, T>G on the plus strand (A>C on the coding strand, the complement: TTN is on the minus strand). VCF-style: chr2-178724261-T-G. GRCh37 (hg19) VCF-style: chr2-179588988-T-G.
Other names: c.20163A>C, p.Ser6721= (NM_001256850.1); c.17382A>C, p.Ser5794= (NM_133378.4); c.13282+13821A>C (NM_003319.4); c.13858+13821A>C (NM_133437.4); c.13657+13821A>C (NM_133432.3).
Identifiers: ClinVar variation 1038321 (VCV001038321.7), dbSNP rs879237670, ClinGen allele CA430289311.

ClinVar aggregate classification (germline): Uncertain significance (1 of 4 stars; one submission).

Conditions:
Dilated cardiomyopathy 1G (CMD1G). Identifiers: Orphanet 154, MedGen C1858763, MONDO:0011400, OMIM 604145.
Autosomal recessive limb-girdle muscular dystrophy type 2J (LGMDR10). Also called: Limb-girdle muscular dystrophy, type 2J; MUSCULAR DYSTROPHY, LIMB-GIRDLE, AUTOSOMAL RECESSIVE 10. Identifiers: Orphanet 140922, MedGen C1837342, MONDO:0012127, OMIM 608807.

gnomAD v4.1: 1 of 1,611,434 alleles (0.000062%); highest among the groups gnomAD compares: Non-Finnish European, 0.000085%; no homozygotes.

Submission:

Labcorp Genetics (formerly Invitae), Labcorp
Classification: Uncertain significance for Dilated cardiomyopathy 1G; Autosomal recessive limb-girdle muscular dystrophy type 2J. Last evaluated: 2025-03-19. Review status: criteria provided, single submitter. Criteria: Invitae Variant Classification Sherloc (09022015). Collection method: clinical testing. Allele origin: germline.
Comment: This sequence change affects codon 7038 of the TTN mRNA. It is a 'silent' change, meaning that it does not change the encoded amino acid sequence of the TTN protein. It affects a nucleotide within the consensus splice site. This variant is not present in population databases (gnomAD no frequency). This variant has been observed in individual(s) with distal myopathy (internal data). ClinVar contains an entry for this variant (Variation ID: 1038321). Algorithms developed to predict the effect of sequence changes on RNA splicing suggest that this variant may disrupt the consensus splice site. In summary, the available evidence is currently insufficient to determine the role of this variant in disease. Therefore, it has been classified as a Variant of Uncertain Significance.